The following is an entry in ClinVar:

ClinVar aggregate classification (germline): Pathogenic (1 of 4 stars; one submission).

Submission:

Labcorp Genetics (formerly Invitae), Labcorp
Classification: Pathogenic. Last evaluated: 2020-03-05. Review status: criteria provided, single submitter. Criteria: Invitae Variant Classification Sherloc (09022015). Collection method: clinical testing. Allele origin: germline.
Comment: Loss-of-function variants in P3H2 are known to be pathogenic (PMID: 24172257, 25469533). For these reasons, this variant has been classified as Pathogenic. This variant has not been reported in the literature in individuals with P3H2-related conditions. This variant is not present in population databases (ExAC no frequency). This sequence change creates a premature translational stop signal (p.Gly130Alafs*74) in the P3H2 gene. It is expected to result in an absent or disrupted protein product.

Literature cited by the submitters: PubMed 24172257; PubMed 25469533.

NM_018192.4(P3H2):c.389del (p.Gly130fs)

Gene: P3H2 (prolyl 3-hydroxylase 2; minus strand). Cytogenetic location: 3q28.
Variant type: Deletion.
Coding change: c.389del on transcript NM_018192.4 (MANE Select); coding-DNA position 389, one base deleted (G; older notation c.389delG).
Protein change: p.Gly130fs; shifts the reading frame from glycine 130.
Molecular consequence: frameshift variant. On other transcripts: intron variant (1).
Genome position (GRCh38, 1-based): chr3:190,120,343, C deleted on the plus strand (G on the coding strand, the reverse complement: P3H2 is on the minus strand); the first of 5 consecutive C bases (chr3:190,120,343-190,120,347); deleting any one gives the same sequence. VCF-style (leftmost placement, unchanged base first): chr3-190120342-GC-G. GRCh37 (hg19) VCF-style: chr3-189838131-GC-G.
Other names: c.-64+1860del (NM_001134418.2); short protein forms G130fs.
Identifiers: ClinVar variation 1073024 (VCV001073024.5), dbSNP rs2108531489, ClinGen allele CA2499216624.